The following is an entry in ClinVar:

ClinVar aggregate classification (germline): Likely pathogenic (1 of 4 stars; one submission).

Conditions:
Pseudoachondroplastic spondyloepiphyseal dysplasia syndrome (PSACH). Also called: PSEUDOACHONDROPLASTIC DYSPLASIA; Pseudoachondroplasia; COMP-Related Pseudoachondroplasia. Identifiers: Orphanet 750, MedGen C0410538, MONDO:0008322, OMIM 177170.

Submission:

Kasturba Medical College, Manipal, Kasturba Medical College, Manipal, Manipal Academy of Higher Education, Manipal, India
Classification: Likely pathogenic for Pseudoachondroplastic spondyloepiphyseal dysplasia syndrome. Last evaluated: 2020-02-03. Review status: criteria provided, single submitter. Criteria: ACMG Guidelines, 2015. Collection method: clinical testing. Allele origin: de novo. Affected: yes. Observed: 1 variant allele.
Comment: The variant is considered to be likely pathogenic as it qualifies following criteria of ACMG: PM1, PM2, PM4, PP3 and PP4

Literature cited by the submitters: PubMed 12768438.

NM_000095.3(COMP):c.1416_1421del (p.Asn474_Asp475del)

Gene: COMP (cartilage oligomeric matrix protein; minus strand). Cytogenetic location: 19p13.11.
Variant type: Deletion.
Coding change: c.1416_1421del on transcript NM_000095.3 (MANE Select); coding-DNA positions 1416 to 1421, 6 bases deleted (CGACAA; older notation c.1416_1421delCGACAA).
Protein change: p.Asn474_Asp475del.
Molecular consequence: inframe deletion.
Genome position (GRCh38, 1-based): chr19:18,786,033-18,786,038, TTGTCG deleted on the plus strand (CGACAA on the coding strand, the reverse complement: COMP is on the minus strand); deleting any 6 consecutive bases within chr19:18,786,033-18,786,039 gives the same sequence; the c. name uses the placement nearest the transcript's 3' end. VCF-style (leftmost placement, unchanged base first): chr19-18786032-ATTGTCG-A. GRCh37 (hg19) VCF-style: chr19-18896842-ATTGTCG-A.
Identifiers: ClinVar variation 818219 (VCV000818219.4), dbSNP rs2055164523, ClinGen allele CA1139666379.